The following is an entry in ClinVar:

NM_058216.3(RAD51C):c.479C>G (p.Thr160Arg)

Gene: RAD51C (RAD51 paralog C; plus strand). Cytogenetic location: 17q22.
Variant type: single nucleotide variant.
Coding change: c.479C>G on transcript NM_058216.3 (MANE Select); coding-DNA position 479, C replaced by G.
Protein change: p.Thr160Arg; replaces threonine 160 with arginine.
Molecular consequence: missense variant.
Genome position (GRCh38, 1-based): chr17:58,696,767, C>G. VCF-style: chr17-58696767-C-G. GRCh37 (hg19) VCF-style: chr17-56774128-C-G.
Other names: short protein forms T160R.
Identifiers: ClinVar variation 1743154 (VCV001743154.3), dbSNP rs1598460398, ClinGen allele CA400344731.
Genomic context (GRCh38, chr17:58,696,767, plus strand): 5'-TAGATGTGCAGATACCAGAATGTTTTGGAGGAGTGGCAGGTGAAGCAGTTTTTATTGATA[C>G]AGAGGGAAGTTTTATGGTTGATAGAGTGGTAGACCTTGCTACTGCCTGCATTCAGCACCT-3'
Protein context (NP_478123.1, residues 150-170): GVAGEAVFID[Thr160Arg]EGSFMVDRVV

ClinVar aggregate classification (germline): Uncertain significance. Review status: criteria provided, multiple submitters, no conflicts (2 of 4 stars). 2 submissions from 2 submitters: Uncertain significance (2). Last evaluated 2025-07-01.

Conditions:
Hereditary cancer-predisposing syndrome. Also called: Hereditary Cancer Syndrome; Neoplastic Syndromes, Hereditary; Tumor predisposition; Hereditary neoplastic syndrome. Identifiers: Orphanet 140162, MedGen C0027672, MeSH D009386, MONDO:0015356.

Submissions (2):

GeneDx
Classification: Uncertain significance. Last evaluated: 2025-07-01. Review status: criteria provided, single submitter. Criteria: GeneDx Variant Classification Process June 2021. Collection method: clinical testing. Allele origin: germline. Affected: yes.
Comment: Not observed at significant frequency in large population cohorts (gnomAD); In silico analysis supports that this missense variant has a deleterious effect on protein structure/function; Has not been previously published as pathogenic or benign to our knowledge; This variant is associated with the following publications: (PMID: 14704354)

Ambry Genetics
Classification: Uncertain significance for Hereditary cancer-predisposing syndrome. Last evaluated: 2020-09-29. Review status: criteria provided, single submitter. Criteria: Ambry Variant Classification Scheme 2023. Collection method: clinical testing. Allele origin: germline.
Comment: The p.T160R variant (also known as c.479C>G), located in coding exon 3 of the RAD51C gene, results from a C to G substitution at nucleotide position 479. The threonine at codon 160 is replaced by arginine, an amino acid with similar properties. This amino acid position is highly conserved in available vertebrate species. In addition, this alteration is predicted to be deleterious by in silico analysis. Since supporting evidence is limited at this time, the clinical significance of this alteration remains unclear.